The following is an entry in ClinVar:

ClinVar aggregate classification (germline): Pathogenic (1 of 4 stars; one submission).

Conditions:
Very long chain acyl-CoA dehydrogenase deficiency (ACADVLD). Also called: Very Long-Chain Acyl-Coenzyme A Dehydrogenase Deficiency; VLCAD Deficiency. Identifiers: Orphanet 26793, MedGen C3887523, MONDO:0008723, OMIM 201475.

Submission:

Labcorp Genetics (formerly Invitae), Labcorp
Classification: Pathogenic for Very long chain acyl-CoA dehydrogenase deficiency. Last evaluated: 2023-03-03. Review status: criteria provided, single submitter. Criteria: Invitae Variant Classification Sherloc (09022015). Collection method: clinical testing. Allele origin: germline.
Comment: For these reasons, this variant has been classified as Pathogenic. This variant has not been reported in the literature in individuals affected with ACADVL-related conditions. This variant is not present in population databases (gnomAD no frequency). This sequence change creates a premature translational stop signal (p.Lys137Argfs*80) in the ACADVL gene. It is expected to result in an absent or disrupted protein product. Loss-of-function variants in ACADVL are known to be pathogenic (PMID: 9973285, 11590124).

Literature cited by the submitters: PubMed 9973285; PubMed 11590124.

NM_000018.4(ACADVL):c.410del (p.Lys137fs)

Gene: ACADVL (acyl-CoA dehydrogenase very long chain; plus strand). Cytogenetic location: 17p13.1.
Variant type: Deletion.
Coding change: c.410del on transcript NM_000018.4 (MANE Select); coding-DNA position 410, one base deleted (A; older notation c.410delA).
Protein change: p.Lys137fs; shifts the reading frame from lysine 137.
Molecular consequence: frameshift variant.
Genome position (GRCh38, 1-based): chr17:7,220,991, A deleted; the last of 2 consecutive A bases (chr17:7,220,990-7,220,991); deleting either gives the same sequence. VCF-style (leftmost placement, unchanged base first): chr17-7220989-CA-C. GRCh37 (hg19) VCF-style: chr17-7124308-CA-C.
Other names: c.344del, p.Lys115fs (NM_001033859.3); c.479del, p.Lys160fs (NM_001270447.2); c.182del, p.Lys61fs (NM_001270448.2); short protein forms K137fs, K160fs, K61fs, K115fs.
Identifiers: ClinVar variation 2842414 (VCV002842414.3), dbSNP rs2071184953, ClinGen allele CA2245699225.